The following is an entry in ClinVar:

ClinVar aggregate classification (germline): Pathogenic (1 of 4 stars; one submission).

Submission:

Labcorp Genetics (formerly Invitae), Labcorp
Classification: Pathogenic. Last evaluated: 2022-06-27. Review status: criteria provided, single submitter. Criteria: Invitae Variant Classification Sherloc (09022015). Collection method: clinical testing. Allele origin: germline.
Comment: For these reasons, this variant has been classified as Pathogenic. This variant has not been reported in the literature in individuals affected with TAB2-related conditions. This variant is not present in population databases (gnomAD no frequency). This sequence change creates a premature translational stop signal (p.Ser469Phefs*30) in the TAB2 gene. It is expected to result in an absent or disrupted protein product. Loss-of-function variants in TAB2 are known to be pathogenic (PMID: 28386937, 31250519).

Literature cited by the submitters: PubMed 28386937; PubMed 31250519.

NM_001292034.3(TAB2):c.1406del (p.Ser469fs)

Genes: TAB2 (TGF-beta activated kinase 1 (MAP3K7) binding protein 2; plus strand), LOC126859827 (BRD4-independent group 4 enhancer GRCh37_chr6:149699707-149700906; plus strand). Cytogenetic location: 6q25.1.
Variant type: Deletion.
Coding change: c.1406del on transcript NM_001292034.3 (MANE Select); coding-DNA position 1406, one base deleted (C; older notation c.1406delC).
Protein change: p.Ser469fs; shifts the reading frame from serine 469.
Molecular consequence: frameshift variant.
Genome position (GRCh38, 1-based): chr6:149,379,321, C deleted. VCF-style (leftmost placement, unchanged base first): chr6-149379320-TC-T. GRCh37 (hg19) VCF-style: chr6-149700456-TC-T.
Other names: c.1310del, p.Ser437fs (NM_001292035.3); c.1406del, p.Ser469fs (NM_001369506.1, NM_015093.6); short protein forms S469fs, S437fs.
Identifiers: ClinVar variation 1395511 (VCV001395511.6), dbSNP rs2114888164, ClinGen allele CA2573140641.
Genomic context (GRCh38, chr6:149,379,320, plus strand): 5'-ACCTCTCCTCGAGTGGTAGTCACTCAGCCCAATACGAAATACACTTTCAAAATTACAGTC[TC>T]TCCCAATAAGCCCCCTGCAGTTTCACCAGGGGTGGTGTCCCCTACCTTTGAACTTACAAA-3'